The following is an entry in ClinVar:

ClinVar aggregate classification (germline): Uncertain significance (1 of 4 stars; one submission).

Allele frequency attached by ClinVar (database versions not stated): gnomAD 0.00001; ExAC 0.00008.

Submission:

Labcorp Genetics (formerly Invitae), Labcorp
Classification: Uncertain significance. Last evaluated: 2026-01-12. Review status: criteria provided, single submitter. Criteria: Invitae Variant Classification Sherloc (09022015). Collection method: clinical testing. Allele origin: germline.
Comment: This sequence change replaces glutamic acid, which is acidic and polar, with glycine, which is neutral and non-polar, at codon 121 of the APOPT1 protein (p.Glu121Gly). This variant is present in population databases (rs754918522, gnomAD 0.07%). This variant has not been reported in the literature in individuals affected with APOPT1-related conditions. ClinVar contains an entry for this variant (Variation ID: 1897189). An algorithm developed to predict the effect of missense changes on protein structure and function (PolyPhen-2) suggests that this variant is likely to be disruptive. In summary, the available evidence is currently insufficient to determine the role of this variant in disease. Therefore, it has been classified as a Variant of Uncertain Significance.

NM_001370595.2(COA8):c.323A>G (p.Glu108Gly)

Gene: COA8 (cytochrome c oxidase assembly factor 8; plus strand). Cytogenetic location: 14q32.33.
Variant type: single nucleotide variant.
Coding change: c.323A>G on transcript NM_001370595.2 (MANE Select); coding-DNA position 323, A replaced by G.
Protein change: p.Glu108Gly; replaces glutamic acid 108 with glycine.
Molecular consequence: missense variant. On other transcripts: non-coding transcript variant (1).
Genome position (GRCh38, 1-based): chr14:103,574,108, A>G. VCF-style: chr14-103574108-A-G. GRCh37 (hg19) VCF-style: chr14-104040445-A-G.
Other names: c.323A>G, p.Glu108Gly (NM_001302653.2, NM_001302654.2); c.362A>G, p.Glu121Gly (NM_032374.4); short protein forms E121G, E108G.
Identifiers: ClinVar variation 1897189 (VCV001897189.3), dbSNP rs754918522, ClinGen allele CA7365533.